The following is an entry in ClinVar:

NM_002397.5(MEF2C):c.638-2A>C

Gene: MEF2C (myocyte enhancer factor 2C; minus strand). Cytogenetic location: 5q14.3.
Variant type: single nucleotide variant.
Coding change: c.638-2A>C on transcript NM_002397.5 (MANE Select); the canonical splice acceptor site of the intron before coding-DNA position 638, A replaced by C.
Molecular consequence: splice acceptor variant.
Genome position (GRCh38, 1-based): chr5:88,731,903, T>G on the plus strand (A>C on the coding strand, the complement: MEF2C is on the minus strand). VCF-style: chr5-88731903-T-G. GRCh37 (hg19) VCF-style: chr5-88027720-T-G.
Other names: c.494-2A>C (NM_001193349.3, NM_001193348.1, NM_001364355.2 and 3 more transcripts); c.638-2A>C (NM_001364348.2, NM_001364340.2, NM_001364346.2 and 18 more transcripts); c.212-2A>C (NM_001364357.2); c.260-2A>C (NM_001364356.2, NM_001364353.2); c.632-2A>C (NM_001131005.2, NM_001364352.2, NM_001364343.2); c.692-2A>C (NM_001193347.1, NM_001364338.2).
Identifiers: ClinVar variation 488545 (VCV000488545.6), dbSNP rs1554102556, ClinGen allele CA360423537.

ClinVar aggregate classification (germline): Pathogenic. Review status: criteria provided, multiple submitters, no conflicts (2 of 4 stars). 2 submissions from 2 submitters: Pathogenic (2). Last evaluated 2021-05-28.

Conditions:
Inborn genetic diseases. Identifiers: MedGen C0950123, MeSH D030342.
Neurodevelopmental disorder with hypotonia, stereotypic hand movements, and impaired language. Also called: Intellectual disability, autosomal dominant 20. Identifiers: Orphanet 228384, Orphanet 664410, MedGen C3150700, MONDO:0013266, OMIM 613443.

Submissions (2):

Ambry Genetics
Classification: Pathogenic for Inborn genetic diseases. Last evaluated: 2021-05-28. Review status: criteria provided, single submitter. Criteria: Ambry Variant Classification Scheme 2023. Collection method: clinical testing. Allele origin: germline.
Comment: The c.638-2A>C intronic variant results from an A to C substitution two nucleotides before coding exon 6 of the MEF2C gene. Alterations that disrupt the canonical splice site are expected to cause aberrant splicing, resulting in an abnormal protein or a transcript that is subject to nonsense-mediated mRNA decay. Based on data from the Genome Aggregation Database (gnomAD), the MEF2C c.638-2A>C alteration was not observed, with coverage at this position. This nucleotide position is highly conserved in available vertebrate species. RT-PCR was performed on another alteration impacting the same acceptor site (c.638-2A>G) and was shown to have abnormal splicing via downstream exon skipping (Wai, 2020). In silico splice site analysis predicts that this alteration will weaken the native splice acceptor site. Based on the available evidence, this alteration is classified as pathogenic.

Institute of Human Genetics Munich, TUM University Hospital
Classification: Pathogenic for Neurodevelopmental disorder with hypotonia, stereotypic hand movements, and impaired language. Last evaluated: 2017-11-03. Review status: criteria provided, single submitter. Criteria: Classification criteria August 2017. Collection method: clinical testing. Allele origin: maternal. Inheritance: Autosomal dominant inheritance. Affected: yes. Observed: 1 heterozygote.

Literature cited by the submitters: PubMed 32123317 (cited by Ambry Genetics).